The following is an entry in ClinVar:

NM_020919.4(ALS2):c.4195G>A (p.Val1399Met)

Gene: ALS2 (alsin Rho guanine nucleotide exchange factor ALS2; minus strand). Cytogenetic location: 2q33.1.
Variant type: single nucleotide variant.
Coding change: c.4195G>A on transcript NM_020919.4 (MANE Select); coding-DNA position 4195, G replaced by A.
Protein change: p.Val1399Met; replaces valine 1399 with methionine.
Molecular consequence: missense variant.
Genome position (GRCh38, 1-based): chr2:201,709,966, C>T on the plus strand (G>A on the coding strand, the complement: ALS2 is on the minus strand). VCF-style: chr2-201709966-C-T. GRCh37 (hg19) VCF-style: chr2-202574689-C-T.
Other names: p.Val1399Met; short protein forms V1399M.
Identifiers: ClinVar variation 1382686 (VCV001382686.8), dbSNP rs41309054, ClinGen allele CA2057640.

ClinVar aggregate classification (germline): Uncertain significance. Review status: criteria provided, multiple submitters, no conflicts (2 of 4 stars). 2 submissions from 2 submitters: Uncertain significance (2). Last evaluated 2023-09-28.

Conditions:
Infantile-onset ascending hereditary spastic paralysis (IAHSP). Also called: Autosomal Recessive Juvenile Amyotrophic Lateral Sclerosis; Infantile-Onset Ascending Hereditary Spastic Paralysis (IAHSP). Identifiers: Orphanet 293168, MedGen C2931441, MONDO:0011797, OMIM 607225. Disease mechanism: loss of function.

Allele frequency attached by ClinVar (database versions not stated): gnomAD 0.00001; ExAC 0.00002; gnomAD exomes 0.00003 and 0.00005; TOPMed 0.00005; ESP Exome Variant Server 0.00008.
gnomAD v4.1: 19 of 1,613,982 alleles (0.0012%); highest among the groups gnomAD compares: Middle Eastern, 0.016%; no homozygotes.

Submissions (2):

Mayo Clinic Laboratories, Mayo Clinic
Classification: Uncertain significance. Last evaluated: 2023-09-28. Review status: criteria provided, single submitter. Criteria: ACMG Guidelines, 2015. Collection method: clinical testing. Allele origin: germline. Observed: 1 variant allele.
Comment: BP4, PM2_moderate

Labcorp Genetics (formerly Invitae), Labcorp
Classification: Uncertain significance for Infantile-onset ascending hereditary spastic paralysis. Last evaluated: 2022-08-21. Review status: criteria provided, single submitter. Criteria: Invitae Variant Classification Sherloc (09022015). Collection method: clinical testing. Allele origin: germline.
Comment: This variant is present in population databases (rs41309054, gnomAD 0.02%). This variant has not been reported in the literature in individuals affected with ALS2-related conditions. ClinVar contains an entry for this variant (Variation ID: 1382686). Algorithms developed to predict the effect of missense changes on protein structure and function are either unavailable or do not agree on the potential impact of this missense change (SIFT: "Tolerated"; PolyPhen-2: "Possibly Damaging"; Align-GVGD: "Class C0"). In summary, the available evidence is currently insufficient to determine the role of this variant in disease. Therefore, it has been classified as a Variant of Uncertain Significance. This sequence change replaces valine, which is neutral and non-polar, with methionine, which is neutral and non-polar, at codon 1399 of the ALS2 protein (p.Val1399Met).